The following is an entry in ClinVar:

NM_001145373.3(OTUD1):c.885C>T (p.Ala295=)

Gene: OTUD1 (OTU deubiquitinase 1; plus strand). Cytogenetic location: 10p12.2.
Variant type: single nucleotide variant.
Coding change: c.885C>T on transcript NM_001145373.3 (MANE Select); coding-DNA position 885, C replaced by T.
Protein change: p.Ala295=; no amino-acid change (alanine 295 retained).
Molecular consequence: synonymous variant.
Genome position (GRCh38, 1-based): chr10:23,440,342, C>T. VCF-style: chr10-23440342-C-T. GRCh37 (hg19) VCF-style: chr10-23729271-C-T.
Identifiers: ClinVar variation 776501 (VCV000776501.6), dbSNP rs74122449, ClinGen allele CA5438984.
Genomic context (GRCh38, chr10:23,440,342, plus strand): 5'-GGAGCCGGTGATCGTCTCCAGGTCGGATCCCAGAGACGAGAAGCTGGCCCTATACCTGGC[C>T]GAGGTGGAGAAGCAGGACAAGTATCTGCGGCAGAGGAATAAGTACCGATTCCACATCATT-3'
Protein context (NP_001138845.1, residues 285-305): PRDEKLALYL[Ala295=]EVEKQDKYLR

ClinVar aggregate classification (germline): Benign. Review status: criteria provided, multiple submitters, no conflicts (2 of 4 stars). 3 submissions from 3 submitters: Benign (2). 1 of the submissions does not count toward it. Last evaluated 2018-02-26.

Conditions:
OTUD1-related disorder. Also called: OTUD1-related condition.

Allele frequency attached by ClinVar (database versions not stated): ESP Exome Variant Server 0.00986; gnomAD 0.01077 and 0.01136; TOPMed 0.01195; 1000 Genomes Project 0.01258; 1000 Genomes Project 30x 0.01359.
gnomAD v4.1: 3,051 of 1,551,308 alleles (0.2%); highest among the groups gnomAD compares: African/African-American, 3.6%; 58 homozygotes.

Submissions (3):

Labcorp Genetics (formerly Invitae), Labcorp
Classification: Benign. Last evaluated: 2018-02-26. Review status: criteria provided, single submitter. Criteria: Invitae Variant Classification Sherloc (09022015). Collection method: clinical testing. Allele origin: germline.

Breakthrough Genomics
Classification: Benign. Review status: criteria provided, single submitter. Criteria: ACMG Guidelines, 2015. Collection method: not provided. Allele origin: germline. Inheritance: Unknown mechanism. Affected: yes.

PreventionGenetics, part of Exact Sciences
Classification: Benign for OTUD1-related condition. Last evaluated: 2019-02-19. Review status: no assertion criteria provided. Collection method: clinical testing. Allele origin: germline. Not counted in ClinVar's aggregate classification.
Comment: This variant is classified as benign based on ACMG/AMP sequence variant interpretation guidelines (Richards et al. 2015 PMID: 25741868, with internal and published modifications).